The following is an entry in ClinVar:

NM_000103.4(CYP19A1):c.846G>A (p.Leu282=)

Genes: CYP19A1 (cytochrome P450 family 19 subfamily A member 1; minus strand), MIR4713HG (MIR4713 host gene; plus strand), PIRC66 (piwi-interacting RNA cluster 66; plus strand). Cytogenetic location: 15q21.2.
Variant type: single nucleotide variant.
Coding change: c.846G>A on transcript NM_000103.4 (MANE Select); coding-DNA position 846, G replaced by A.
Protein change: p.Leu282=; no amino-acid change (leucine 282 retained).
Molecular consequence: synonymous variant.
Genome position (GRCh38, 1-based): chr15:51,215,715, C>T on the plus strand (G>A on the coding strand, the complement: CYP19A1 is on the minus strand). VCF-style: chr15-51215715-C-T. GRCh37 (hg19) VCF-style: chr15-51507912-C-T.
Other names: c.846G>A, p.Leu282= (NM_001347248.1, NM_001347249.2, NM_001347250.2 and 7 more transcripts); c.846G>A (NM_031226.2).
Identifiers: ClinVar variation 1111283 (VCV001111283.10), dbSNP rs767752968, ClinGen allele CA7559933.

ClinVar aggregate classification (germline): Conflicting classifications of pathogenicity. Review status: criteria provided, conflicting classifications (1 of 4 stars). 2 submissions from 2 submitters: Uncertain significance (1); Likely benign (1). Last evaluated 2025-01-03.

Allele frequency attached by ClinVar (database versions not stated): TOPMed below 0.00001; gnomAD 0.00001; gnomAD exomes 0.00001; ExAC 0.00002.
gnomAD v4.1: 5 of 1,613,884 alleles (0.00031%); highest among the groups gnomAD compares: Admixed American, 0.0067%; no homozygotes.

Submissions (2):

GeneDx
Classification: Uncertain significance. Last evaluated: 2025-01-03. Review status: criteria provided, single submitter. Criteria: GeneDx Variant Classification Process June 2021. Collection method: clinical testing. Allele origin: germline. Affected: yes.
Comment: Has not been previously published as pathogenic or benign to our knowledge; In silico analysis suggests this variant may impact gene splicing. In the absence of RNA/functional studies, the actual effect of this sequence change is unknown.

Labcorp Genetics (formerly Invitae), Labcorp
Classification: Likely benign. Last evaluated: 2023-02-11. Review status: criteria provided, single submitter. Criteria: Invitae Variant Classification Sherloc (09022015). Collection method: clinical testing. Allele origin: germline.